The following is an entry in ClinVar:

NM_001365951.3(KIF1B):c.5300C>A (p.Thr1767Asn)

Gene: KIF1B (kinesin family member 1B; plus strand). Cytogenetic location: 1p36.22.
Variant type: single nucleotide variant.
Coding change: c.5300C>A on transcript NM_001365951.3 (MANE Select); coding-DNA position 5300, C replaced by A.
Protein change: p.Thr1767Asn; replaces threonine 1767 with asparagine.
Molecular consequence: missense variant.
Genome position (GRCh38, 1-based): chr1:10,375,265, C>A. VCF-style: chr1-10375265-C-A. GRCh37 (hg19) VCF-style: chr1-10435323-C-A.
Other names: c.5300C>A, p.Thr1767Asn (NM_001365952.1); c.5162C>A, p.Thr1721Asn (NM_015074.3); short protein forms T1721N, T1767N.
Identifiers: ClinVar variation 3226541 (VCV003226541.1), dbSNP rs1319338839, ClinGen allele CA338331638.

ClinVar aggregate classification (germline): Uncertain significance (1 of 4 stars; one submission).

Submission:

Ambry Genetics
Classification: Uncertain significance. Last evaluated: 2023-12-10. Review status: criteria provided, single submitter. Criteria: Ambry Variant Classification Scheme 2023. Collection method: clinical testing. Allele origin: germline.
Comment: The p.T1721N variant (also known as c.5162C>A), located in coding exon 45 of the KIF1B gene, results from a C to A substitution at nucleotide position 5162. The threonine at codon 1721 is replaced by asparagine, an amino acid with similar properties. This amino acid position is conserved. In addition, this alteration is predicted to be tolerated by in silico analysis. Since supporting evidence is limited at this time, the clinical significance of this alteration remains unclear.